The following is an entry in ClinVar:

ClinVar aggregate classification (germline): Benign/Likely benign. Review status: criteria provided, multiple submitters, no conflicts (2 of 4 stars). 5 submissions from 5 submitters: Benign (2); Likely benign (2). 1 of the submissions does not count toward it. Last evaluated 2026-06-01.

Conditions:
DMXL2-related disorder. Also called: DMXL2-related condition.

Allele frequency attached by ClinVar (database versions not stated): gnomAD exomes 0.00112; ExAC 0.00125; 1000 Genomes Project 30x 0.00172; 1000 Genomes Project 0.00180; gnomAD 0.00369; ESP Exome Variant Server 0.00455; TOPMed 0.00460.
gnomAD v4.1: 1,659 of 1,612,998 alleles (0.1%); highest among the groups gnomAD compares: African/African-American, 1.4%; 10 homozygotes.

Submissions (5):

CeGaT Center for Human Genetics Tuebingen
Classification: Likely benign. Last evaluated: 2026-06-01. Review status: criteria provided, single submitter. Criteria: CeGaT Center For Human Genetics Tuebingen Variant Classification Criteria Version 2. Collection method: clinical testing. Allele origin: germline. Affected: yes. Observed: 7 variant alleles.
Comment: DMXL2: BP4, BP7, BS1

Labcorp Genetics (formerly Invitae), Labcorp
Classification: Benign. Last evaluated: 2026-02-02. Review status: criteria provided, single submitter. Criteria: Invitae Variant Classification Sherloc (09022015). Collection method: clinical testing. Allele origin: germline.

Blueprint Genetics
Classification: Likely benign. Last evaluated: 2024-11-01. Review status: criteria provided, single submitter. Criteria: ACMG Guidelines, 2015. Collection method: clinical testing. Allele origin: germline.

Breakthrough Genomics
Classification: Benign. Review status: criteria provided, single submitter. Criteria: ACMG Guidelines, 2015. Collection method: not provided. Allele origin: germline. Inheritance: Autosomal recessive inheritance. Affected: yes.

PreventionGenetics, part of Exact Sciences
Classification: Benign for DMXL2-related condition. Last evaluated: 2019-05-17. Review status: no assertion criteria provided. Collection method: clinical testing. Allele origin: germline. Not counted in ClinVar's aggregate classification.
Comment: This variant is classified as benign based on ACMG/AMP sequence variant interpretation guidelines (Richards et al. 2015 PMID: 25741868, with internal and published modifications).

NM_001378457.1(DMXL2):c.5136T>G (p.Ala1712=)

Gene: DMXL2 (Dmx like 2; minus strand). Cytogenetic location: 15q21.2.
Variant type: single nucleotide variant.
Coding change: c.5136T>G on transcript NM_001378457.1 (MANE Select); coding-DNA position 5136, T replaced by G.
Protein change: p.Ala1712=; no amino-acid change (alanine 1712 retained).
Molecular consequence: synonymous variant. On other transcripts: non-coding transcript variant (2).
Genome position (GRCh38, 1-based): chr15:51,488,035, A>C on the plus strand (T>G on the coding strand, the complement: DMXL2 is on the minus strand). VCF-style: chr15-51488035-A-C. GRCh37 (hg19) VCF-style: chr15-51780232-A-C.
Other names: c.5136T>G, p.Ala1712= (NM_001174116.3, NM_001378458.1, NM_001378459.1 and 4 more transcripts); c.3228T>G, p.Ala1076= (NM_001174117.3); c.3117T>G, p.Ala1039= (NM_001378460.1); c.4896T>G, p.Ala1632= (NM_001378464.1).
Identifiers: ClinVar variation 721854 (VCV000721854.26), dbSNP rs35347764, ClinGen allele CA7561858.